The following is an entry in ClinVar:

NM_015102.5(NPHP4):c.2710G>A (p.Val904Ile)

Gene: NPHP4 (nephrocystin 4; minus strand). Cytogenetic location: 1p36.31.
Variant type: single nucleotide variant.
Coding change: c.2710G>A on transcript NM_015102.5 (MANE Select); coding-DNA position 2710, G replaced by A.
Protein change: p.Val904Ile; replaces valine 904 with isoleucine.
Molecular consequence: missense variant. On other transcripts: non-coding transcript variant (1).
Genome position (GRCh38, 1-based): chr1:5,877,200, C>T on the plus strand (G>A on the coding strand, the complement: NPHP4 is on the minus strand). VCF-style: chr1-5877200-C-T. GRCh37 (hg19) VCF-style: chr1-5937260-C-T.
Other names: c.1171G>A, p.Val391Ile (NM_001291593.2); c.1174G>A, p.Val392Ile (NM_001291594.2); short protein forms V904I, V391I, V392I.
Identifiers: ClinVar variation 297801 (VCV000297801.10), dbSNP rs886046463, ClinGen allele CA10611326.

ClinVar aggregate classification (germline): Uncertain significance. Review status: criteria provided, multiple submitters, no conflicts (2 of 4 stars). 3 submissions from 2 submitters: Uncertain significance (3). Last evaluated 2022-07-12.

Conditions:
Senior-Loken syndrome 4 (SLSN4). Identifiers: Orphanet 3156, MedGen C1846979, MONDO:0011756, OMIM 606996.
Nephronophthisis. Also called: Juvenile Nephronophthisis. Identifiers: Orphanet 655, MedGen C0687120, MONDO:0019005, HP:0000090.
Nephronophthisis 4 (NPHP4). Also called: NEPHRONOPHTHISIS 4, JUVENILE. Identifiers: Orphanet 655, MedGen C1847013, MONDO:0011752, OMIM 606966.

Allele frequency attached by ClinVar (database versions not stated): gnomAD exomes 0.00001.
gnomAD v4.1: 16 of 1,605,418 alleles (0.001%); highest among the groups gnomAD compares: East Asian, 0.016%; no homozygotes.

Submissions (3):

Labcorp Genetics (formerly Invitae), Labcorp
Classification: Uncertain significance for Nephronophthisis. Last evaluated: 2022-07-12. Review status: criteria provided, single submitter. Criteria: Invitae Variant Classification Sherloc (09022015). Collection method: clinical testing. Allele origin: germline.
Comment: In summary, the available evidence is currently insufficient to determine the role of this variant in disease. Therefore, it has been classified as a Variant of Uncertain Significance. Algorithms developed to predict the effect of missense changes on protein structure and function output the following: SIFT: "Tolerated"; PolyPhen-2: "Benign"; Align-GVGD: "Class C0". The isoleucine amino acid residue is found in multiple mammalian species, which suggests that this missense change does not adversely affect protein function. ClinVar contains an entry for this variant (Variation ID: 297801). This variant has not been reported in the literature in individuals affected with NPHP4-related conditions. The frequency data for this variant in the population databases is considered unreliable, as metrics indicate poor data quality at this position in the gnomAD database. This sequence change replaces valine, which is neutral and non-polar, with isoleucine, which is neutral and non-polar, at codon 904 of the NPHP4 protein (p.Val904Ile).

Illumina Laboratory Services, Illumina
Classification: Uncertain significance for Nephronophthisis 4. Last evaluated: 2018-01-13. Review status: criteria provided, single submitter. Criteria: ICSL Variant Classification Criteria 13 December 2019. Collection method: clinical testing. Allele origin: germline.

Illumina Laboratory Services, Illumina
Classification: Uncertain significance for Senior-Loken syndrome 4. Last evaluated: 2018-01-13. Review status: criteria provided, single submitter. Criteria: ICSL Variant Classification Criteria 13 December 2019. Collection method: clinical testing. Allele origin: germline.